The following is an entry in ClinVar:

ClinVar aggregate classification (germline): Uncertain significance (1 of 4 stars; one submission).

Conditions:
Multiple endocrine neoplasia, type 1 (MEN1). Also called: MEN I; WERMER SYNDROME; Endocrine adenomatosis multiple; MEN 1; MEA I. Identifiers: Orphanet 652, MedGen C0025267, MeSH D018761, MONDO:0007540, OMIM 131100.

Allele frequency attached by ClinVar (database versions not stated): gnomAD exomes below 0.00001.

Submission:

Labcorp Genetics (formerly Invitae), Labcorp
Classification: Uncertain significance for Multiple endocrine neoplasia, type 1. Last evaluated: 2024-07-05. Review status: criteria provided, single submitter. Criteria: Invitae Variant Classification Sherloc (09022015). Collection method: clinical testing. Allele origin: germline.
Comment: This sequence change replaces glycine, which is neutral and non-polar, with aspartic acid, which is acidic and polar, at codon 528 of the MEN1 protein (p.Gly528Asp). This variant is not present in population databases (gnomAD no frequency). This variant has not been reported in the literature in individuals affected with MEN1-related conditions. ClinVar contains an entry for this variant (Variation ID: 527288). Advanced modeling of protein sequence and biophysical properties (such as structural, functional, and spatial information, amino acid conservation, physicochemical variation, residue mobility, and thermodynamic stability) has been performed at Invitae for this missense variant, however the output from this modeling did not meet the statistical confidence thresholds required to predict the impact of this variant on MEN1 protein function. In summary, the available evidence is currently insufficient to determine the role of this variant in disease. Therefore, it has been classified as a Variant of Uncertain Significance.

NM_001370259.2(MEN1):c.1583G>A (p.Gly528Asp)

Gene: MEN1 (menin 1; minus strand). Cytogenetic location: 11q13.1.
Variant type: single nucleotide variant.
Coding change: c.1583G>A on transcript NM_001370259.2 (MANE Select); coding-DNA position 1583, G replaced by A.
Protein change: p.Gly528Asp; replaces glycine 528 with aspartic acid.
Molecular consequence: missense variant.
Genome position (GRCh38, 1-based): chr11:64,804,584, C>T on the plus strand (G>A on the coding strand, the complement: MEN1 is on the minus strand). VCF-style: chr11-64804584-C-T. GRCh37 (hg19) VCF-style: chr11-64572056-C-T.
Other names: c.1583G>A, p.Gly528Asp (NM_130799.3, NM_001370260.2, NM_001370261.2); c.1598G>A, p.Gly533Asp (NM_130800.3, NM_130801.3, NM_130802.3 and 3 more transcripts); c.1709G>A, p.Gly570Asp (NM_001370251.2); c.1478G>A, p.Gly493Asp (NM_001370262.2, NM_001370263.2); short protein forms G528D, G533D, G493D, G570D.
Identifiers: ClinVar variation 527288 (VCV000527288.8), dbSNP rs1555163392, ClinGen allele CA381178330.
Genomic context (GRCh38, chr11:64,804,584, plus strand): 5'-CCCTCCGGCGGTGGTGATGCTGTGGGTGCTGGCACCTGAGCCGTGCTGCCACCTTCAGGG[C>T]CTCGGGCTGTGCCAGCGACAGTCCCAGGAGGCTTCCGGGGGGGTCCTGACACTGCACCCT-3'
Protein context (NP_001357188.2, residues 518-538): PPGTVAGTAR[Gly528Asp]PEGGSTAQVP